The following is an entry in ClinVar:

NM_138295.5(PKD1L1):c.618G>A (p.Thr206=)

Gene: PKD1L1 (polycystin 1 like 1, transient receptor potential channel interacting; minus strand). Cytogenetic location: 7p12.3.
Variant type: single nucleotide variant.
Coding change: c.618G>A on transcript NM_138295.5 (MANE Select); coding-DNA position 618, G replaced by A.
Protein change: p.Thr206=; no amino-acid change (threonine 206 retained).
Molecular consequence: synonymous variant.
Genome position (GRCh38, 1-based): chr7:47,931,223, C>T on the plus strand (G>A on the coding strand, the complement: PKD1L1 is on the minus strand). VCF-style: chr7-47931223-C-T. GRCh37 (hg19) VCF-style: chr7-47970820-C-T.
Identifiers: ClinVar variation 4998358 (VCV004998358.1).

ClinVar aggregate classification (germline): Likely benign (1 of 4 stars; one submission).

Conditions:
PKD1L1-related disorder. Also called: PKD1L1-related condition.

gnomAD v4.1: 18 of 1,614,120 alleles (0.0011%); highest among the groups gnomAD compares: African/African-American, 0.0027%; no homozygotes.

Submission:

PreventionGenetics, part of Exact Sciences
Classification: Likely benign for PKD1L1-related condition. Last evaluated: 2026-02-02. Review status: criteria provided, single submitter. Criteria: ACMG Guidelines, 2015. Collection method: clinical testing. Allele origin: germline.
Comment: This variant is classified as likely benign based on ACMG/AMP sequence variant interpretation guidelines (Richards et al. 2015 PMID: 25741868, with internal and published modifications).